The following is an entry in ClinVar:

NM_201596.3(CACNB2):c.1964A>T (p.Asp655Val)

Gene: CACNB2 (calcium voltage-gated channel auxiliary subunit beta 2; plus strand). Cytogenetic location: 10p12.31.
Variant type: single nucleotide variant.
Coding change: c.1964A>T on transcript NM_201596.3 (MANE Select); coding-DNA position 1964, A replaced by T.
Protein change: p.Asp655Val; replaces aspartic acid 655 with valine.
Molecular consequence: missense variant.
Genome position (GRCh38, 1-based): chr10:18,539,705, A>T. VCF-style: chr10-18539705-A-T. GRCh37 (hg19) VCF-style: chr10-18828634-A-T.
Other names: c.1799A>T, p.Asp600Val (NM_000724.4); c.1766A>T, p.Asp589Val (NM_001167945.2); c.1685A>T, p.Asp562Val (NM_001330060.2); c.1706A>T, p.Asp569Val (NM_001410882.1); c.1820A>T, p.Asp607Val (NM_201570.3); c.1880A>T, p.Asp627Val (NM_201571.4); c.1808A>T, p.Asp603Val (NM_201572.4); c.1802A>T, p.Asp601Val (NM_201590.3); and 2 more; short protein forms D600V, D562V, D569V, D589V, D603V, D627V, D607V, D655V.
Identifiers: ClinVar variation 2164298 (VCV002164298.4), dbSNP rs771597607, ClinGen allele CA203167510.

ClinVar aggregate classification (germline): Uncertain significance (1 of 4 stars; one submission).

Conditions:
Brugada syndrome 4 (BRGDA4). Identifiers: Orphanet 130, MedGen C2678477, MONDO:0012743, OMIM 611876.

Submission:

Labcorp Genetics (formerly Invitae), Labcorp
Classification: Uncertain significance for Brugada syndrome 4. Last evaluated: 2022-03-14. Review status: criteria provided, single submitter. Criteria: Invitae Variant Classification Sherloc (09022015). Collection method: clinical testing. Allele origin: germline.
Comment: In summary, the available evidence is currently insufficient to determine the role of this variant in disease. Therefore, it has been classified as a Variant of Uncertain Significance. Algorithms developed to predict the effect of missense changes on protein structure and function are either unavailable or do not agree on the potential impact of this missense change (SIFT: "Deleterious"; PolyPhen-2: "Possibly Damaging"; Align-GVGD: "Class C0"). This variant has not been reported in the literature in individuals affected with CACNB2-related conditions. This variant is not present in population databases (gnomAD no frequency). This sequence change replaces aspartic acid, which is acidic and polar, with valine, which is neutral and non-polar, at codon 601 of the CACNB2 protein (p.Asp601Val).